The following is an entry in ClinVar:

NM_000307.5(POU3F4):c.119dup (p.Ser40fs)

Gene: POU3F4 (POU class 3 homeobox 4; plus strand). Cytogenetic location: Xq21.1.
Variant type: Duplication.
Coding change: c.119dup on transcript NM_000307.5 (MANE Select); coding-DNA position 119, one base duplicated (G; older notation c.119dupG).
Protein change: p.Ser40fs; shifts the reading frame from serine 40.
Molecular consequence: frameshift variant.
Genome position (GRCh38, 1-based): chrX:83,508,443, G duplicated. VCF-style (leftmost placement, unchanged base first): chrX-83508442-A-AG. GRCh37 (hg19) VCF-style: chrX-82763450-A-AG.
Other names: short protein forms S40fs.
Identifiers: ClinVar variation 2572180 (VCV002572180.1), dbSNP rs2520215518, ClinGen allele CA2580612433.

ClinVar aggregate classification (germline): Likely pathogenic (1 of 4 stars; one submission).

Conditions:
X-linked mixed hearing loss with perilymphatic gusher. Also called: Gusher syndrome; NANCE DEAFNESS; PERILYMPHATIC GUSHER-DEAFNESS SYNDROME; SENSORINEURAL DEAFNESS, PROFOUND, WITH OR WITHOUT A CONDUCTIVE COMPONENT, ASSOCIATED WITH A UNIQUE DEVELOPMENTAL ABNORMALITY OF THE EAR; Deafness, X-linked 2. Identifiers: Orphanet 383, MedGen C1844678, MONDO:0010576, OMIM 304400.

Submission:

Greenwood Genetic Center Diagnostic Laboratories, Greenwood Genetic Center
Classification: Likely pathogenic for X-linked mixed hearing loss with perilymphatic gusher. Last evaluated: 2023-04-27. Review status: criteria provided, single submitter. Criteria: ACMG Guidelines, 2015. Collection method: clinical testing. Allele origin: germline. Affected: yes.
Comment: PVS1, PM2